The following is an entry in ClinVar:

NM_003292.3(TPR):c.417A>T (p.Glu139Asp)

Gene: TPR (translocated promoter region, nuclear basket protein; minus strand). Cytogenetic location: 1q31.1.
Variant type: single nucleotide variant.
Coding change: c.417A>T on transcript NM_003292.3 (MANE Select); coding-DNA position 417, A replaced by T.
Protein change: p.Glu139Asp; replaces glutamic acid 139 with aspartic acid.
Molecular consequence: missense variant.
Genome position (GRCh38, 1-based): chr1:186,367,896, T>A on the plus strand (A>T on the coding strand, the complement: TPR is on the minus strand). VCF-style: chr1-186367896-T-A. GRCh37 (hg19) VCF-style: chr1-186337028-T-A.
Other names: short protein forms E139D.
Identifiers: ClinVar variation 3770525 (VCV003770525.13).
Genomic context (GRCh38, chr1:186,367,896, plus strand): 5'-AGAAGAAAAATAAAGGAATGGAGCTAAAAGCTACAAGCACTTCTTCATACCTGTTAAGTA[T>A]TCAAGTTCTTGAGATAGTCTCTCATTGGTTCTAATTAAGTCTCTTTTCTCAGCTTCTAAT-3'
Protein context (NP_003283.2, residues 129-149): RTNERLSQEL[Glu139Asp]YLTEDVKRLN

ClinVar aggregate classification (germline): Benign (1 of 4 stars; one submission).

gnomAD v4.1: 5,261 of 1,607,464 alleles (0.33%); highest among the groups gnomAD compares: South Asian, 1.4%; 27 homozygotes.

Submission:

CeGaT Center for Human Genetics Tuebingen
Classification: Benign. Last evaluated: 2025-01-01. Review status: criteria provided, single submitter. Criteria: CeGaT Center For Human Genetics Tuebingen Variant Classification Criteria Version 2. Collection method: clinical testing. Allele origin: germline. Affected: yes. Observed: 1 variant allele.
Comment: TPR: BS1, BS2